The following is an entry in ClinVar:

NM_000784.4(CYP27A1):c.587G>T (p.Ser196Ile)

Gene: CYP27A1 (cytochrome P450 family 27 subfamily A member 1; plus strand). Cytogenetic location: 2q35.
Variant type: single nucleotide variant.
Coding change: c.587G>T on transcript NM_000784.4 (MANE Select); coding-DNA position 587, G replaced by T.
Protein change: p.Ser196Ile; replaces serine 196 with isoleucine.
Molecular consequence: missense variant.
Genome position (GRCh38, 1-based): chr2:218,812,362, G>T. VCF-style: chr2-218812362-G-T. GRCh37 (hg19) VCF-style: chr2-219677085-G-T.
Other names: c.587G>T (NM_000784.3); short protein forms S196I.
Identifiers: ClinVar variation 1386348 (VCV001386348.6), dbSNP rs375643077, ClinGen allele CA2112658.

ClinVar aggregate classification (germline): Uncertain significance. Review status: criteria provided, multiple submitters, no conflicts (2 of 4 stars). 2 submissions from 2 submitters: Uncertain significance (2). Last evaluated 2025-07-12.

Conditions:
Cholestanol storage disease (CTX). Also called: CEREBRAL CHOLESTERINOSIS; Cerebrotendinous Xanthomatosis; CTX: Cerebrotendinous xanthomatosis. Identifiers: Orphanet 909, MedGen C0238052, MONDO:0008948, OMIM 213700.

Allele frequency attached by ClinVar (database versions not stated): gnomAD exomes below 0.00001; ExAC 0.00001; gnomAD 0.00001; ESP Exome Variant Server 0.00008.
gnomAD v4.1: 8 of 1,614,118 alleles (0.0005%); highest among the groups gnomAD compares: Non-Finnish European, 0.00068%; no homozygotes.

Submissions (2):

GeneDx
Classification: Uncertain significance. Last evaluated: 2025-07-12. Review status: criteria provided, single submitter. Criteria: GeneDx Variant Classification Process June 2021. Collection method: clinical testing. Allele origin: germline. Affected: yes.
Comment: Not observed at significant frequency in large population cohorts (gnomAD); In silico analysis supports that this missense variant has a deleterious effect on protein structure/function; Has not been previously published as pathogenic or benign to our knowledge

Labcorp Genetics (formerly Invitae), Labcorp
Classification: Uncertain significance for Cholestanol storage disease. Last evaluated: 2022-06-22. Review status: criteria provided, single submitter. Criteria: Invitae Variant Classification Sherloc (09022015). Collection method: clinical testing. Allele origin: germline.
Comment: This sequence change replaces serine, which is neutral and polar, with isoleucine, which is neutral and non-polar, at codon 196 of the CYP27A1 protein (p.Ser196Ile). This variant is present in population databases (rs375643077, gnomAD 0.002%). This variant has not been reported in the literature in individuals affected with CYP27A1-related conditions. Advanced modeling of protein sequence and biophysical properties (such as structural, functional, and spatial information, amino acid conservation, physicochemical variation, residue mobility, and thermodynamic stability) performed at Invitae indicates that this missense variant is not expected to disrupt CYP27A1 protein function. In summary, the available evidence is currently insufficient to determine the role of this variant in disease. Therefore, it has been classified as a Variant of Uncertain Significance.